The following is an entry in ClinVar:

NM_003978.5(PSTPIP1):c.1145C>A (p.Ala382Glu)

Gene: PSTPIP1 (proline-serine-threonine phosphatase interacting protein 1; plus strand). Cytogenetic location: 15q24.3.
Variant type: single nucleotide variant.
Coding change: c.1145C>A on transcript NM_003978.5 (MANE Select); coding-DNA position 1145, C replaced by A.
Protein change: p.Ala382Glu; replaces alanine 382 with glutamic acid.
Molecular consequence: missense variant. On other transcripts: non-coding transcript variant (1).
Genome position (GRCh38, 1-based): chr15:77,037,070, C>A. VCF-style: chr15-77037070-C-A. GRCh37 (hg19) VCF-style: chr15-77329411-C-A.
Other names: c.1088C>A, p.Ala363Glu (NM_001321135.2); c.1118C>A, p.Ala373Glu (NM_001321136.2); c.1340C>A, p.Ala447Glu (NM_001321137.1); short protein forms A382E, A363E, A373E, A447E.
Identifiers: ClinVar variation 1046070 (VCV001046070.8), dbSNP rs202205180, ClinGen allele CA273766152.

ClinVar aggregate classification (germline): Uncertain significance (1 of 4 stars; one submission).

Conditions:
Pyogenic arthritis-pyoderma gangrenosum-acne syndrome (PAPA). Also called: PAPA SYNDROME; FAMILIAL RECURRENT ARTHRITIS. Identifiers: Orphanet 69126, MedGen C1858361, MONDO:0011462, OMIM 604416.

Allele frequency attached by ClinVar (database versions not stated): TOPMed 0.00005.
gnomAD v4.1: 52 of 1,612,102 alleles (0.0032%); highest among the groups gnomAD compares: African/African-American, 0.004%; no homozygotes.

Submission:

Labcorp Genetics (formerly Invitae), Labcorp
Classification: Uncertain significance for Pyogenic arthritis-pyoderma gangrenosum-acne syndrome. Last evaluated: 2020-06-09. Review status: criteria provided, single submitter. Criteria: Invitae Variant Classification Sherloc (09022015). Collection method: clinical testing. Allele origin: germline.
Comment: In summary, the available evidence is currently insufficient to determine the role of this variant in disease. Therefore, it has been classified as a Variant of Uncertain Significance. Algorithms developed to predict the effect of missense changes on protein structure and function (SIFT, PolyPhen-2, Align-GVGD) all suggest that this variant is likely to be tolerated, but these predictions have not been confirmed by published functional studies and their clinical significance is uncertain. This variant has not been reported in the literature in individuals with PSTPIP1-related conditions. This variant is not present in population databases (ExAC no frequency). This sequence change replaces alanine with glutamic acid at codon 382 of the PSTPIP1 protein (p.Ala382Glu). The alanine residue is weakly conserved and there is a moderate physicochemical difference between alanine and glutamic acid.